The following is an entry in ClinVar:

NM_001083116.3(PRF1):c.1312T>C (p.Tyr438His)

Gene: PRF1 (perforin 1; minus strand). Cytogenetic location: 10q22.1.
Variant type: single nucleotide variant.
Coding change: c.1312T>C on transcript NM_001083116.3 (MANE Select); coding-DNA position 1312, T replaced by C.
Protein change: p.Tyr438His; replaces tyrosine 438 with histidine.
Molecular consequence: missense variant.
Genome position (GRCh38, 1-based): chr10:70,598,409, A>G on the plus strand (T>C on the coding strand, the complement: PRF1 is on the minus strand). VCF-style: chr10-70598409-A-G. GRCh37 (hg19) VCF-style: chr10-72358165-A-G.
Other names: c.1312T>C, p.Tyr438His (NM_005041.6); short protein forms Y438H.
Identifiers: ClinVar variation 3911985 (VCV003911985.3).

ClinVar aggregate classification (germline): Uncertain significance. Review status: criteria provided, multiple submitters, no conflicts (2 of 4 stars). 2 submissions from 2 submitters: Uncertain significance (2). Last evaluated 2025-12-05.

Conditions:
Familial hemophagocytic lymphohistiocytosis 2 (FHL2). Also called: PRF1-Related Familial Hemophagocytic Lymphohistiocytosis (PRF1-fHLH). Identifiers: Orphanet 540, MedGen C1863727, MONDO:0011337, OMIM 603553.

gnomAD v4.1: 3 of 1,613,908 alleles (0.00019%); highest among the groups gnomAD compares: East Asian, 0.0067%; no homozygotes.

Submissions (2):

Myriad Genetics, Inc.
Classification: Uncertain significance for Familial hemophagocytic lymphohistiocytosis 2. Last evaluated: 2025-12-05. Review status: criteria provided, single submitter. Criteria: Myriad Autosomal Dominant, Autosomal Recessive and X-Linked Classification Criteria (2023). Collection method: clinical testing. Allele origin: unknown.
Comment: NM_001083116.1(PRF1):c.1312T>C(Y438H) is a missense variant classified as a variant of uncertain significance in the context of familial hemophagocytic lymphohistiocytosis, PRF1-related. Y438H has been observed in a case with relevant disease (PMID: 34339548). Relevant functional assessments of this variant are not available in the literature. Y438H has been observed in referenced population frequency databases. In summary, there is insufficient evidence to classify NM_001083116.1(PRF1):c.1312T>C(Y438H) as pathogenic or benign. Please note: this variant was assessed in the context of healthy population screening.

Women's Health and Genetics/Laboratory Corporation of America, LabCorp
Classification: Uncertain significance. Last evaluated: 2025-07-02. Review status: criteria provided, single submitter. Criteria: LabCorp Variant Classification Summary - May 2015. Collection method: clinical testing. Allele origin: germline.
Comment: Variant summary: PRF1 c.1312T>C (p.Tyr438His) results in a conservative amino acid change in the encoded protein sequence. Algorithms developed to predict the effect of missense changes on protein structure and function are either unavailable or do not agree on the potential impact of this missense change. The variant allele was found at a frequency of 4e-06 in 250814 control chromosomes. The available data on variant occurrences in the general population are insufficient to allow any conclusion about variant significance. c.1312T>C has been observed at a single heterozygous state in one individual affected with Familial Hemophagocytic Lymphohistiocytosis (Xinh_2021). These report(s) do not provide unequivocal conclusions about association of the variant with Familial Hemophagocytic Lymphohistiocytosis. To our knowledge, no experimental evidence demonstrating an impact on protein function has been reported. The following publication has been ascertained in the context of this evaluation (PMID: 34339548). No submitters have cited clinical-significance assessments for this variant to ClinVar. Based on the evidence outlined above, the variant was classified as uncertain significance.

Literature cited by the submitters: PubMed 34339548 (cited by Myriad Genetics, Inc. and Women's Health and Genetics/Laboratory Corporation of America, LabCorp).